The following is an entry in ClinVar:

ClinVar aggregate classification (germline): Uncertain significance. Review status: criteria provided, multiple submitters, no conflicts (2 of 4 stars). 2 submissions from 2 submitters: Uncertain significance (2). Last evaluated 2025-11-20.

Conditions:
Hereditary cancer-predisposing syndrome. Also called: Hereditary Cancer Syndrome; Hereditary neoplastic syndrome; Tumor predisposition; Neoplastic Syndromes, Hereditary. Identifiers: Orphanet 140162, MedGen C0027672, MeSH D009386, MONDO:0015356.
Cardiovascular phenotype. Identifiers: MedGen CN230736.

Submissions (2):

Labcorp Genetics (formerly Invitae), Labcorp
Classification: Uncertain significance. Last evaluated: 2025-11-20. Review status: criteria provided, single submitter. Criteria: Invitae Variant Classification Sherloc (09022015). Collection method: clinical testing. Allele origin: germline.
Comment: This sequence change replaces proline, which is neutral and non-polar, with threonine, which is neutral and polar, at codon 280 of the LZTR1 protein (p.Pro280Thr). This variant is not present in population databases (gnomAD no frequency). This variant has not been reported in the literature in individuals affected with LZTR1-related conditions. ClinVar contains an entry for this variant (Variation ID: 3541651). Invitae Evidence Modeling of protein sequence and biophysical properties (such as structural, functional, and spatial information, amino acid conservation, physicochemical variation, residue mobility, and thermodynamic stability) indicates that this missense variant is not expected to disrupt LZTR1 protein function with a negative predictive value of 80%. In summary, the available evidence is currently insufficient to determine the role of this variant in disease. Therefore, it has been classified as a Variant of Uncertain Significance.

Ambry Genetics
Classification: Uncertain significance for Cardiovascular phenotype; Hereditary cancer-predisposing syndrome. Last evaluated: 2024-10-14. Review status: criteria provided, single submitter. Criteria: Ambry Variant Classification Scheme 2023. Collection method: clinical testing. Allele origin: germline.
Comment: The p.P280T variant (also known as c.838C>A), located in coding exon 9 of the LZTR1 gene, results from a C to A substitution at nucleotide position 838. The proline at codon 280 is replaced by threonine, an amino acid with highly similar properties. This amino acid position is conserved. In addition, the in silico prediction for this alteration is inconclusive. Based on the available evidence, the clinical significance of this variant remains unclear.

NM_006767.4(LZTR1):c.838C>A (p.Pro280Thr)

Gene: LZTR1 (leucine zipper like post translational regulator 1; plus strand). Cytogenetic location: 22q11.21.
Variant type: single nucleotide variant.
Coding change: c.838C>A on transcript NM_006767.4 (MANE Select); coding-DNA position 838, C replaced by A.
Protein change: p.Pro280Thr; replaces proline 280 with threonine.
Molecular consequence: missense variant.
Genome position (GRCh38, 1-based): chr22:20,991,674, C>A. VCF-style: chr22-20991674-C-A. GRCh37 (hg19) VCF-style: chr22-21345963-C-A.
Other names: short protein forms P280T.
Identifiers: ClinVar variation 3541651 (VCV003541651.2).